The following is an entry in ClinVar:

NM_001365951.3(KIF1B):c.2488C>G (p.Gln830Glu)

Gene: KIF1B (kinesin family member 1B; plus strand). Cytogenetic location: 1p36.22.
Variant type: single nucleotide variant.
Coding change: c.2488C>G on transcript NM_001365951.3 (MANE Select); coding-DNA position 2488, C replaced by G.
Protein change: p.Gln830Glu; replaces glutamine 830 with glutamic acid.
Molecular consequence: missense variant.
Genome position (GRCh38, 1-based): chr1:10,324,013, C>G. VCF-style: chr1-10324013-C-G. GRCh37 (hg19) VCF-style: chr1-10384071-C-G.
Other names: c.2488C>G, p.Gln830Glu (NM_001365952.1); c.2350C>G, p.Gln784Glu (NM_015074.3); short protein forms Q784E, Q830E.
Identifiers: ClinVar variation 4043117 (VCV004043117.1).
Genomic context (GRCh38, chr1:10,324,013, plus strand): 5'-GAGATGGAAAAAACTCATGAGGACAGGCCTTTCCCTCGCACAGTGGTAGCAGTAGAAGTC[C>G]AGGATTTGAAGAATGGAGCAACACACTATTGGTCTTTGGAGAAACTCAAGTATGAAAACA-3'
Protein context (NP_001352880.1, residues 820-840): FPRTVVAVEV[Gln830Glu]DLKNGATHYW

ClinVar aggregate classification (germline): Uncertain significance (1 of 4 stars; one submission).

Submission:

Ambry Genetics
Classification: Uncertain significance. Last evaluated: 2025-04-19. Review status: criteria provided, single submitter. Criteria: Ambry Variant Classification Scheme 2023. Collection method: clinical testing. Allele origin: germline.
Comment: The p.Q784E variant (also known as c.2350C>G), located in coding exon 22 of the KIF1B gene, results from a C to G substitution at nucleotide position 2350. The glutamine at codon 784 is replaced by glutamic acid, an amino acid with highly similar properties. This amino acid position is conserved. In addition, the in silico prediction for this alteration is inconclusive. Based on the available evidence, the clinical significance of this variant remains unclear.